The following is an entry in ClinVar:

ClinVar aggregate classification (germline): Uncertain significance (1 of 4 stars; one submission).

Conditions:
Spastic paraplegia. Identifiers: MedGen C0037772, HP:0001258.

gnomAD v4.1: 5 of 1,211,366 alleles (0.00041%); highest among the groups gnomAD compares: Admixed American, 0.011%; no homozygotes.

Submission:

Labcorp Genetics (formerly Invitae), Labcorp
Classification: Uncertain significance for Spastic paraplegia. Last evaluated: 2025-08-20. Review status: criteria provided, single submitter. Criteria: Invitae Variant Classification Sherloc (09022015). Collection method: clinical testing. Allele origin: germline.
Comment: This sequence change replaces alanine, which is neutral and non-polar, with aspartic acid, which is acidic and polar, at codon 1246 of the L1CAM protein (p.Ala1246Asp). This variant is present in population databases (no rsID available, gnomAD 0.02%), including at least one homozygous and/or hemizygous individual. This variant has not been reported in the literature in individuals affected with L1CAM-related conditions. ClinVar contains an entry for this variant (Variation ID: 3620057). Invitae Evidence Modeling of protein sequence and biophysical properties (such as structural, functional, and spatial information, amino acid conservation, physicochemical variation, residue mobility, and thermodynamic stability) has been performed for this missense variant. However, the output from this modeling did not meet the statistical confidence thresholds required to predict the impact of this variant on L1CAM protein function. In summary, the available evidence is currently insufficient to determine the role of this variant in disease. Therefore, it has been classified as a Variant of Uncertain Significance.

NM_001278116.2(L1CAM):c.3737C>A (p.Ala1246Asp)

Gene: L1CAM (L1 cell adhesion molecule; minus strand). Cytogenetic location: Xq28.
Variant type: single nucleotide variant.
Coding change: c.3737C>A on transcript NM_001278116.2 (MANE Select); coding-DNA position 3737, C replaced by A.
Protein change: p.Ala1246Asp; replaces alanine 1246 with aspartic acid.
Molecular consequence: missense variant.
Genome position (GRCh38, 1-based): chrX:153,862,700, G>T on the plus strand (C>A on the coding strand, the complement: L1CAM is on the minus strand). VCF-style: chrX-153862700-G-T. GRCh37 (hg19) VCF-style: chrX-153128155-G-T.
Other names: c.3737C>A, p.Ala1246Asp (NM_000425.5); c.3710C>A, p.Ala1237Asp (NM_001143963.2); c.3725C>A, p.Ala1242Asp (NM_024003.3); short protein forms A1237D, A1242D, A1246D.
Identifiers: ClinVar variation 3620057 (VCV003620057.2).